The following is an entry in ClinVar:

ClinVar aggregate classification (germline): Uncertain significance. Review status: criteria provided, multiple submitters, no conflicts (2 of 4 stars). 2 submissions from 2 submitters: Uncertain significance (2). Last evaluated 2024-12-23.

Conditions:
Inborn genetic diseases. Identifiers: MedGen C0950123, MeSH D030342.

Allele frequency attached by ClinVar (database versions not stated): TOPMed below 0.00001; gnomAD exomes 0.00001.
gnomAD v4.1: 6 of 1,614,086 alleles (0.00037%); highest among the groups gnomAD compares: Admixed American, 0.0083%; no homozygotes.

Submissions (2):

Ambry Genetics
Classification: Uncertain significance for Inborn genetic diseases. Last evaluated: 2024-12-23. Review status: criteria provided, single submitter. Criteria: Ambry Variant Classification Scheme 2023. Collection method: clinical testing. Allele origin: germline.

Labcorp Genetics (formerly Invitae), Labcorp
Classification: Uncertain significance. Last evaluated: 2024-04-08. Review status: criteria provided, single submitter. Criteria: Invitae Variant Classification Sherloc (09022015). Collection method: clinical testing. Allele origin: germline.
Comment: This sequence change replaces proline, which is neutral and non-polar, with serine, which is neutral and polar, at codon 1366 of the COL4A4 protein (p.Pro1366Ser). This variant is present in population databases (no rsID available, gnomAD 0.006%). This variant has not been reported in the literature in individuals affected with COL4A4-related conditions. ClinVar contains an entry for this variant (Variation ID: 2157120). Advanced modeling of protein sequence and biophysical properties (such as structural, functional, and spatial information, amino acid conservation, physicochemical variation, residue mobility, and thermodynamic stability) performed at Invitae indicates that this missense variant is not expected to disrupt COL4A4 protein function with a negative predictive value of 95%. In summary, the available evidence is currently insufficient to determine the role of this variant in disease. Therefore, it has been classified as a Variant of Uncertain Significance.

NM_000092.5(COL4A4):c.4096C>T (p.Pro1366Ser)

Gene: COL4A4 (collagen type IV alpha 4 chain; minus strand). Cytogenetic location: 2q36.3.
Variant type: single nucleotide variant.
Coding change: c.4096C>T on transcript NM_000092.5 (MANE Select); coding-DNA position 4096, C replaced by T.
Protein change: p.Pro1366Ser; replaces proline 1366 with serine.
Molecular consequence: missense variant.
Genome position (GRCh38, 1-based): chr2:227,022,168, G>A on the plus strand (C>T on the coding strand, the complement: COL4A4 is on the minus strand). VCF-style: chr2-227022168-G-A. GRCh37 (hg19) VCF-style: chr2-227886884-G-A.
Other names: short protein forms P1366S.
Identifiers: ClinVar variation 2157120 (VCV002157120.3), dbSNP rs1456054185, ClinGen allele CA350836870.
Genomic context (GRCh38, chr2:227,022,168, plus strand): 5'-CTGGCGCCCCAGGAAGGCCTGGGATTCGGGGACAGTCATCCACATCTGCAGGTGGCCCCG[G>A]TTCACCTGAAATTGGAATCACCGCTTGTGTAATGGATGCACGTGCTTATGAACAAGCTCC-3'
Protein context (NP_000083.3, residues 1356-1376): PTGLPGPRGE[Pro1366Ser]GPPADVDDCP